The following is an entry in ClinVar:

ClinVar aggregate classification (germline): Pathogenic/Likely pathogenic. Review status: criteria provided, multiple submitters, no conflicts (2 of 4 stars). 2 submissions from 2 submitters: Pathogenic (1); Likely pathogenic (1). Last evaluated 2024-09-13.

Conditions:
Epidermolysis bullosa. Identifiers: MedGen C0014527, MeSH D004820, MONDO:0006541.

Submissions (2):

Clinical Genetics Laboratory, Skane University Hospital Lund
Classification: Likely pathogenic for Epidermolysis bullosa. Last evaluated: 2024-09-13. Review status: criteria provided, single submitter. Criteria: ACMG Guidelines, 2015. Collection method: clinical testing. Allele origin: germline. Affected: yes.
Comment: ACMG criteria used: PS4_Moderate, PM1, PM2, PM5, PP3

Labcorp Genetics (formerly Invitae), Labcorp
Classification: Pathogenic. Last evaluated: 2022-07-23. Review status: criteria provided, single submitter. Criteria: Invitae Variant Classification Sherloc (09022015). Collection method: clinical testing. Allele origin: germline.
Comment: For these reasons, this variant has been classified as Pathogenic. This variant disrupts the p.Gly2006 amino acid residue in COL7A1. Other variant(s) that disrupt this residue have been observed in individuals with COL7A1-related conditions (PMID: 9668111, 14616374), which suggests that this may be a clinically significant amino acid residue. This variant disrupts the triple helix domain of COL7A1. Glycine residues within the Gly-Xaa-Yaa repeats of the triple helix domain are required for the structure and stability of fibrillar collagens (PMID: 7695699, 8218237, 19344236), and variants at these glycine residues in COL7A1 are more frequently observed in individuals with disease than in the general population (PMID: 22058051). However, the clinical significance of this observation remains uncertain since only a limited number of affected individuals have been described to date. Advanced modeling of protein sequence and biophysical properties (such as structural, functional, and spatial information, amino acid conservation, physicochemical variation, residue mobility, and thermodynamic stability) performed at Invitae indicates that this missense variant is expected to disrupt COL7A1 protein function. This missense change has been observed in individuals with autosomal dominant epidermolysis bullosa dystrophica (PMID: 10504458, 33274474). This variant is not present in population databases (gnomAD no frequency). This sequence change replaces glycine, which is neutral and non-polar, with alanine, which is neutral and non-polar, at codon 2006 of the COL7A1 protein (p.Gly2006Ala).

Literature cited by the submitters: PubMed 9668111 (cited by Labcorp Genetics (formerly Invitae), Labcorp); PubMed 14616374 (cited by Labcorp Genetics (formerly Invitae), Labcorp); PubMed 7695699 (cited by Labcorp Genetics (formerly Invitae), Labcorp); PubMed 8218237 (cited by Labcorp Genetics (formerly Invitae), Labcorp); PubMed 19344236 (cited by Labcorp Genetics (formerly Invitae), Labcorp); PubMed 22058051 (cited by Labcorp Genetics (formerly Invitae), Labcorp); PubMed 10504458 (cited by Labcorp Genetics (formerly Invitae), Labcorp); PubMed 33274474 (cited by Labcorp Genetics (formerly Invitae), Labcorp).

NM_000094.4(COL7A1):c.6017G>C (p.Gly2006Ala)

Gene: COL7A1 (collagen type VII alpha 1 chain; minus strand). Cytogenetic location: 3p21.31.
Variant type: single nucleotide variant.
Coding change: c.6017G>C on transcript NM_000094.4 (MANE Select); coding-DNA position 6017, G replaced by C.
Protein change: p.Gly2006Ala; replaces glycine 2006 with alanine.
Molecular consequence: missense variant.
Genome position (GRCh38, 1-based): chr3:48,575,502, C>G on the plus strand (G>C on the coding strand, the complement: COL7A1 is on the minus strand). VCF-style: chr3-48575502-C-G. GRCh37 (hg19) VCF-style: chr3-48612935-C-G.
Other names: short protein forms G2006A.
Identifiers: ClinVar variation 2203368 (VCV002203368.5), dbSNP rs121912842, ClinGen allele CA352663866.